The following is an entry in ClinVar:

ClinVar aggregate classification (germline): Uncertain significance (1 of 4 stars; one submission).

Conditions:
Dilated cardiomyopathy 1G (CMD1G). Identifiers: Orphanet 154, MedGen C1858763, MONDO:0011400, OMIM 604145.

Submission:

Genetics and Molecular Pathology, SA Pathology
Classification: Uncertain significance for Dilated cardiomyopathy 1G. Last evaluated: 2021-08-18. Review status: criteria provided, single submitter. Criteria: ACMG Guidelines, 2015. Collection method: clinical testing. Allele origin: germline. Inheritance: Autosomal dominant inheritance. Affected: yes.
Comment: The TTN c.18391_18394del variant is classified as a VARIANT OF UNCERTAIN SIGNIFICANCE (PM2, BP4) This variant is a 4-base pair deletion in exon 64 of the TTN gene which results in a frameshift starting at codon Gylcine 6131, changing this amino acid to a Leucine residue, and creating a premature Stop codon at 10 amino acids downstream. This variant has not been reported in dbSNP and is absent from population databases (PM2). This variant has not been reported in the ClinVar and HGMD disease databases. This variant occurs in exon 64 which is in the I-band region of the TTN protein. The proportion spliced-in (PSI) is 7% in DCM. These functional prediction data suggest no impact on gene or gene product (Sci. Transl. Med. 7, 270ra6 (2015)) (BP4).

NM_001267550.2(TTN):c.18391_18394del (p.Gly6131fs)

Genes: TTN (titin; minus strand), LOC126806430 (BRD4-independent group 4 enhancer GRCh37_chr2:179593794-179594993; plus strand). Cytogenetic location: 2q31.2.
Variant type: Deletion.
Coding change: c.18391_18394del on transcript NM_001267550.2 (MANE Select); coding-DNA positions 18391 to 18394, 4 bases deleted (GGCA; older notation c.18391_18394delGGCA).
Protein change: p.Gly6131fs; shifts the reading frame from glycine 6131.
Molecular consequence: frameshift variant. On other transcripts: intron variant (3).
Genome position (GRCh38, 1-based): chr2:178,729,859-178,729,862, TGCC deleted on the plus strand (GGCA on the coding strand, the reverse complement: TTN is on the minus strand); deleting any 4 consecutive bases within chr2:178,729,859-178,729,864 gives the same sequence; the c. name uses the placement nearest the transcript's 3' end. VCF-style (leftmost placement, unchanged base first): chr2-178729858-GTGCC-G. GRCh37 (hg19) VCF-style: chr2-179594585-GTGCC-G.
Other names: c.18391_18394delGGCA (NM_001267550.2); c.17440_17443del, p.Gly5814fs (NM_001256850.1); c.14659_14662del, p.Gly4887fs (NM_133378.4); c.13282+8220_13282+8223del (NM_003319.4); c.13858+8220_13858+8223del (NM_133437.4); c.13657+8220_13657+8223del (NM_133432.3); short protein forms G4887fs, G5814fs, G6131fs.
Identifiers: ClinVar variation 1698866 (VCV001698866.2), dbSNP rs2154307613, ClinGen allele CA2475580828.